The following is an entry in ClinVar:

ClinVar aggregate classification (germline): Uncertain significance (1 of 4 stars; one submission).

Submission:

GeneDx
Classification: Uncertain significance. Last evaluated: 2025-06-15. Review status: criteria provided, single submitter. Criteria: GeneDx Variant Classification Process June 2021. Collection method: clinical testing. Allele origin: germline. Affected: yes.
Comment: Not observed at significant frequency in large population cohorts (gnomAD); In silico analysis supports that this missense variant has a deleterious effect on protein structure/function; Has not been previously published as pathogenic or benign to our knowledge

NM_005444.3(CNOT9):c.564G>C (p.Lys188Asn)

Gene: CNOT9 (CCR4-NOT transcription complex subunit 9; plus strand). Cytogenetic location: 2q35.
Variant type: single nucleotide variant.
Coding change: c.564G>C on transcript NM_005444.3 (MANE Select); coding-DNA position 564, G replaced by C.
Protein change: p.Lys188Asn; replaces lysine 188 with asparagine.
Molecular consequence: missense variant. On other transcripts: non-coding transcript variant (1).
Genome position (GRCh38, 1-based): chr2:218,592,327, G>C. VCF-style: chr2-218592327-G-C. GRCh37 (hg19) VCF-style: chr2-219457050-G-C.
Other names: c.660G>C, p.Lys220Asn (NM_001271634.2); c.564G>C, p.Lys188Asn (NM_001271635.2); short protein forms K188N, K220N.
Identifiers: ClinVar variation 4537831 (VCV004537831.1).
Genomic context (GRCh38, chr2:218,592,327, plus strand): 5'-GCAACTTTATAAACTCTTCGATTTTGTTTTGCTTCAGGTTGCCACATTCATCCTCCAGAA[G>C]ATCTTGTTAGATGACACTGGTTTGGCTTATATATGTCAGACGTATGAGCGTTTCTCCCAT-3'
Protein context (NP_005435.1, residues 178-198): SKTVATFILQ[Lys188Asn]ILLDDTGLAY